The following is an entry in ClinVar:

NM_014679.5(CEP57):c.1398G>A (p.Met466Ile)

Gene: CEP57 (centrosomal protein 57; plus strand). Cytogenetic location: 11q21.
Variant type: single nucleotide variant.
Coding change: c.1398G>A on transcript NM_014679.5 (MANE Select); coding-DNA position 1398, G replaced by A.
Protein change: p.Met466Ile; replaces methionine 466 with isoleucine.
Molecular consequence: missense variant.
Genome position (GRCh38, 1-based): chr11:95,831,151, G>A. VCF-style: chr11-95831151-G-A. GRCh37 (hg19) VCF-style: chr11-95564315-G-A.
Other names: c.1290G>A, p.Met430Ile (NM_001440871.1); c.1281G>A, p.Met427Ile (NM_001440872.1); c.1218G>A, p.Met406Ile (NM_001440873.1); c.1212G>A, p.Met404Ile (NM_001440874.1); c.1209G>A, p.Met403Ile (NM_001440875.1); c.1203G>A, p.Met401Ile (NM_001440876.1); c.1200G>A, p.Met400Ile (NM_001440877.1, NM_001440878.1); c.1173G>A, p.Met391Ile (NM_001440879.1); and 6 more; short protein forms M367I, M379I, M391I, M400I, M406I, M427I, M404I, M430I.
Identifiers: ClinVar variation 4826396 (VCV004826396.1).

ClinVar aggregate classification (germline): Uncertain significance (1 of 4 stars; one submission).

Conditions:
Inborn genetic diseases. Identifiers: MedGen C0950123, MeSH D030342.

gnomAD v4.1: 2 of 1,613,484 alleles (0.00012%); highest among the groups gnomAD compares: Non-Finnish European, 0.00017%; no homozygotes.

Submission:

Ambry Genetics
Classification: Uncertain significance for Inborn genetic diseases. Last evaluated: 2026-03-12. Review status: criteria provided, single submitter. Criteria: Ambry Variant Classification Scheme 2023. Collection method: clinical testing. Allele origin: germline.
Comment: The p.M466I variant (also known as c.1398G>A), located in coding exon 11 of the CEP57 gene, results from a G to A substitution at nucleotide position 1398. The methionine at codon 466 is replaced by isoleucine, an amino acid with highly similar properties. This amino acid position is conserved. In addition, this alteration is predicted to be tolerated by in silico analysis. Based on the available evidence, the clinical significance of this variant remains unclear.